The following is an entry in ClinVar:

ClinVar aggregate classification (germline): Uncertain significance (1 of 4 stars; one submission).

Submission:

Medical Genetic Center, Changzhi Maternal and Child Health Care Hospital
Classification: Uncertain significance. Last evaluated: 2025-12-10. Review status: criteria provided, single submitter. Criteria: ACMG/ClinGen CNV Guidelines, 2019. Collection method: clinical testing. Allele origin: unknown.

GRCh38/hg38 16q24.3(chr16:89660142-89871761)x1

Genes: CDK10 (cyclin dependent kinase 10; plus strand), FANCA (FA complementation group A; minus strand), LINC02166 (long intergenic non-protein coding RNA 2166; minus strand), SPATA2L (spermatogenesis associated 2 like; minus strand), SPATA33 (spermatogenesis associated 33; plus strand) and 34 more. Cytogenetic location: 16q24.3.
Variant type: copy number loss.
Change: copy number 1 (one copy instead of two) of chr16:89,660,142-89,871,761 (211.6 kb, GRCh38 coordinates, 1-based), cytogenetic band 16q24.3.
Identifiers: ClinVar variation 4796342 (VCV004796342.1).